The following is an entry in ClinVar:

NM_000350.3(ABCA4):c.2160+589_2160+591del

Gene: ABCA4 (ATP binding cassette subfamily A member 4; minus strand). Cytogenetic location: 1p22.1.
Variant type: Deletion.
Coding change: c.2160+589_2160+591del on transcript NM_000350.3 (MANE Select); bases 589 to 591 of the intron after coding-DNA position 2160, 3 bases deleted (GAG; older notation c.2160+589_2160+591delGAG).
Molecular consequence: intron variant.
Genome position (GRCh38, 1-based): chr1:94,059,946-94,059,948, CTC deleted on the plus strand (GAG on the coding strand, the reverse complement: ABCA4 is on the minus strand); deleting any 3 consecutive bases within chr1:94,059,946-94,059,950 gives the same sequence; the c. name uses the placement nearest the transcript's 3' end. VCF-style (leftmost placement, unchanged base first): chr1-94059945-ACTC-A. GRCh37 (hg19) VCF-style: chr1-94525501-ACTC-A.
Other names: c.2160+589_2160+591del (NM_001425324.1).
Identifiers: ClinVar variation 4988650 (VCV004988650.1).
Genomic context (GRCh38, chr1:94,059,945, plus strand): 5'-CTCAGAGGAGTTGCAAGTTTGCAGAGGACAGACCAATAGATGCTGCCTGTGGCTATAAAA[ACTC>A]CTTATCACTGAGGAAGGATGGACTCCAAATTCCATCCTTTAAAAGAGAGAGAGGTGTTGG-3'

ClinVar aggregate classification (germline): Likely benign (1 of 4 stars; one submission).

Conditions:
ABCA4-related disorder. Also called: ABCA4-related disorders; ABCA4-related condition. Identifiers: MedGen CN239167.

Submission:

PreventionGenetics, part of Exact Sciences
Classification: Likely benign for ABCA4-related condition. Last evaluated: 2024-10-17. Review status: criteria provided, single submitter. Criteria: ACMG Guidelines, 2015. Collection method: clinical testing. Allele origin: germline.
Comment: This variant is classified as likely benign based on ACMG/AMP sequence variant interpretation guidelines (Richards et al. 2015 PMID: 25741868, with internal and published modifications).